The following is an entry in ClinVar:

NM_001376.5(DYNC1H1):c.12029C>T (p.Ser4010Leu)

Gene: DYNC1H1 (dynein cytoplasmic 1 heavy chain 1; plus strand). Cytogenetic location: 14q32.31.
Variant type: single nucleotide variant.
Coding change: c.12029C>T on transcript NM_001376.5 (MANE Select); coding-DNA position 12029, C replaced by T.
Protein change: p.Ser4010Leu; replaces serine 4010 with leucine.
Molecular consequence: missense variant.
Genome position (GRCh38, 1-based): chr14:102,041,661, C>T. VCF-style: chr14-102041661-C-T. GRCh37 (hg19) VCF-style: chr14-102507998-C-T.
Other names: short protein forms S4010L.
Identifiers: ClinVar variation 2856698 (VCV002856698.3), dbSNP rs2503855785, ClinGen allele CA391037823.

ClinVar aggregate classification (germline): Uncertain significance (1 of 4 stars; one submission).

Conditions:
Charcot-Marie-Tooth disease axonal type 2O. Also called: Charcot-Marie-Tooth disease, axonal, type 20; CHARCOT-MARIE-TOOTH NEUROPATHY, AXONAL, TYPE 2O; CHARCOT-MARIE-TOOTH DISEASE, AXONAL, AUTOSOMAL DOMINANT, TYPE 2O; Charcot-Marie-Tooth Neuropathy Type 2O. Identifiers: Orphanet 284232, MedGen C3280220, MONDO:0013644, OMIM 614228.

Submission:

Labcorp Genetics (formerly Invitae), Labcorp
Classification: Uncertain significance for Charcot-Marie-Tooth disease axonal type 2O. Last evaluated: 2023-04-15. Review status: criteria provided, single submitter. Criteria: Invitae Variant Classification Sherloc (09022015). Collection method: clinical testing. Allele origin: germline.
Comment: This sequence change replaces serine, which is neutral and polar, with leucine, which is neutral and non-polar, at codon 4010 of the DYNC1H1 protein (p.Ser4010Leu). In summary, the available evidence is currently insufficient to determine the role of this variant in disease. Therefore, it has been classified as a Variant of Uncertain Significance. Advanced modeling of protein sequence and biophysical properties (such as structural, functional, and spatial information, amino acid conservation, physicochemical variation, residue mobility, and thermodynamic stability) performed at Invitae indicates that this missense variant is not expected to disrupt DYNC1H1 protein function. This variant has not been reported in the literature in individuals affected with DYNC1H1-related conditions. This variant is not present in population databases (gnomAD no frequency).